The following is an entry in ClinVar:

NM_000245.4(MET):c.2495A>T (p.Asp832Val)

Gene: MET (MET proto-oncogene, receptor tyrosine kinase; plus strand). Cytogenetic location: 7q31.2.
Variant type: single nucleotide variant.
Coding change: c.2495A>T on transcript NM_000245.4 (MANE Select); coding-DNA position 2495, A replaced by T.
Protein change: p.Asp832Val; replaces aspartic acid 832 with valine.
Molecular consequence: missense variant.
Genome position (GRCh38, 1-based): chr7:116,763,180, A>T. VCF-style: chr7-116763180-A-T. GRCh37 (hg19) VCF-style: chr7-116403234-A-T.
Other names: c.2549A>T, p.Asp850Val (NM_001127500.3); c.2495A>T, p.Asp832Val (NM_001324401.3); c.1205A>T, p.Asp402Val (NM_001324402.2); short protein forms D832V, D850V, D402V.
Identifiers: ClinVar variation 2832388 (VCV002832388.3), dbSNP rs2116956114, ClinGen allele CA368983416.

ClinVar aggregate classification (germline): Uncertain significance (1 of 4 stars; one submission).

Conditions:
Renal cell carcinoma. Identifiers: Orphanet 217071, MedGen C0007134, MeSH D002292, MONDO:0005086, HP:0005584.

Submission:

Labcorp Genetics (formerly Invitae), Labcorp
Classification: Uncertain significance for Renal cell carcinoma. Last evaluated: 2023-01-28. Review status: criteria provided, single submitter. Criteria: Invitae Variant Classification Sherloc (09022015). Collection method: clinical testing. Allele origin: germline.
Comment: This sequence change replaces aspartic acid, which is acidic and polar, with valine, which is neutral and non-polar, at codon 850 of the MET protein (p.Asp850Val). This variant is not present in population databases (gnomAD no frequency). This variant has not been reported in the literature in individuals affected with MET-related conditions. Algorithms developed to predict the effect of missense changes on protein structure and function are either unavailable or do not agree on the potential impact of this missense change (SIFT: "Deleterious"; PolyPhen-2: "Probably Damaging"; Align-GVGD: "Class C0"). In summary, the available evidence is currently insufficient to determine the role of this variant in disease. Therefore, it has been classified as a Variant of Uncertain Significance.